The following is an entry in ClinVar:

ClinVar aggregate classification (germline): Likely benign (1 of 4 stars; one submission).

gnomAD v4.1: 27 of 1,051,550 alleles (0.0026%); highest among the groups gnomAD compares: Middle Eastern, 0.029%; 1 homozygote.

Submission:

CeGaT Center for Human Genetics Tuebingen
Classification: Likely benign. Last evaluated: 2025-02-01. Review status: criteria provided, single submitter. Criteria: CeGaT Center For Human Genetics Tuebingen Variant Classification Criteria Version 2. Collection method: clinical testing. Allele origin: germline. Affected: yes. Observed: 1 variant allele.
Comment: KCNC3: BP4, BP7

NM_004977.3(KCNC3):c.2235C>T (p.Pro745=)

Gene: KCNC3 (potassium voltage-gated channel subfamily C member 3; minus strand). Cytogenetic location: 19q13.33.
Variant type: single nucleotide variant.
Coding change: c.2235C>T on transcript NM_004977.3 (MANE Select); coding-DNA position 2235, C replaced by T.
Protein change: p.Pro745=; no amino-acid change (proline 745 retained).
Molecular consequence: synonymous variant.
Genome position (GRCh38, 1-based): chr19:50,320,285, G>A on the plus strand (C>T on the coding strand, the complement: KCNC3 is on the minus strand). VCF-style: chr19-50320285-G-A. GRCh37 (hg19) VCF-style: chr19-50823542-G-A.
Other names: c.2007C>T, p.Pro669= (NM_001372305.1).
Identifiers: ClinVar variation 3771279 (VCV003771279.13).
Genomic context (GRCh38, chr19:50,320,285, plus strand): 5'-CGGGGGGAGGGGGTTCGTCCACTAGGGGGATATCCAGGCCGCGGCGTTGGCGTTGAGGTC[G>A]GGCAAGAAGCTTGGGGGGCCTGGCTTACGCCAGTCTTGGGGGGGCAGTGGGGGAGCACCA-3'
Protein context (NP_004968.2, residues 735-755): WRKPGPPSFL[Pro745=]DLNANAAAWI